The following is an entry in ClinVar:

ClinVar aggregate classification (germline): Uncertain significance. Review status: criteria provided, multiple submitters, no conflicts (2 of 4 stars). 2 submissions from 2 submitters: Uncertain significance (2). Last evaluated 2025-10-14.

Conditions:
Malignant hyperthermia, susceptibility to, 1 (MHS1). Also called: Malignant hyperthermia suceptibility 1; RYR1-Related Malignant Hyperthermia Susceptibility; Anesthesia related hyperthermia; Malignant hyperpyrexia; Fulminating hyperpyrexia; Pharmacogenic myopathy. Identifiers: Orphanet 423, MedGen C2930980, MONDO:0007783, OMIM 145600.

Submissions (2):

Color Diagnostics, LLC DBA Color Health
Classification: Uncertain significance for Malignant hyperthermia, susceptibility to, 1. Last evaluated: 2025-10-14. Review status: criteria provided, single submitter. Criteria: ACMG Guidelines, 2015. Collection method: clinical testing. Allele origin: germline.
Comment: This missense variant replaces isoleucine with valine at codon 4938 of the RYR1 protein. Computational prediction suggests that this variant may have deleterious impact on protein structure and function. To our knowledge, functional studies have not been reported for this variant. This variant has not been reported in individuals affected with RYR1-related disorders in the literature. This variant has not been identified in the general population by the Genome Aggregation Database (gnomAD). The available evidence is insufficient to determine the role of this variant in disease conclusively. Therefore, this variant is classified as a Variant of Uncertain Significance.

CeGaT Center for Human Genetics Tuebingen
Classification: Uncertain significance. Last evaluated: 2019-04-01. Review status: criteria provided, single submitter. Criteria: CeGaT Center For Human Genetics Tuebingen Variant Classification Criteria Version 2. Collection method: clinical testing. Allele origin: germline. Affected: yes. Observed: 1 variant allele.

NM_000540.3(RYR1):c.14812A>G (p.Ile4938Val)

Gene: RYR1 (ryanodine receptor 1; plus strand). Cytogenetic location: 19q13.2.
Variant type: single nucleotide variant.
Coding change: c.14812A>G on transcript NM_000540.3 (MANE Select); coding-DNA position 14812, A replaced by G.
Protein change: p.Ile4938Val; replaces isoleucine 4938 with valine.
Molecular consequence: missense variant.
Genome position (GRCh38, 1-based): chr19:38,585,946, A>G. VCF-style: chr19-38585946-A-G. GRCh37 (hg19) VCF-style: chr19-39076586-A-G.
Other names: c.14797A>G, p.Ile4933Val (NM_001042723.2); short protein forms I4938V, I4933V.
Identifiers: ClinVar variation 808576 (VCV000808576.43), dbSNP rs1599676533, ClinGen allele CA405692179.